The following is an entry in ClinVar:

NM_006005.3(WFS1):c.932G>A (p.Gly311Asp)

Gene: WFS1 (wolframin ER transmembrane glycoprotein; plus strand). Cytogenetic location: 4p16.1.
Variant type: single nucleotide variant.
Coding change: c.932G>A on transcript NM_006005.3 (MANE Select); coding-DNA position 932, G replaced by A.
Protein change: p.Gly311Asp; replaces glycine 311 with aspartic acid.
Molecular consequence: missense variant.
Genome position (GRCh38, 1-based): chr4:6,300,727, G>A. VCF-style: chr4-6300727-G-A. GRCh37 (hg19) VCF-style: chr4-6302454-G-A.
Other names: c.932G>A, p.Gly311Asp (NM_001145853.1); short protein forms G311D.
Identifiers: ClinVar variation 1477586 (VCV001477586.6), dbSNP rs2109125033, ClinGen allele CA356173909.

ClinVar aggregate classification (germline): Uncertain significance (1 of 4 stars; one submission).

Submission:

Labcorp Genetics (formerly Invitae), Labcorp
Classification: Uncertain significance. Last evaluated: 2021-08-31. Review status: criteria provided, single submitter. Criteria: Invitae Variant Classification Sherloc (09022015). Collection method: clinical testing. Allele origin: germline.
Comment: This variant is not present in population databases (ExAC no frequency). This sequence change replaces glycine with aspartic acid at codon 311 of the WFS1 protein (p.Gly311Asp). The glycine residue is moderately conserved and there is a moderate physicochemical difference between glycine and aspartic acid. This missense change has been observed in individual(s) with autosomal recessive Wolfram syndrome (Invitae). In at least one individual the data is consistent with the variant being in trans (on the opposite chromosome) from a pathogenic variant. Algorithms developed to predict the effect of missense changes on protein structure and function are either unavailable or do not agree on the potential impact of this missense change (SIFT: "Deleterious"; PolyPhen-2: "Probably Damaging"; Align-GVGD: "Class C0"). In summary, the available evidence is currently insufficient to determine the role of this variant in disease. Therefore, it has been classified as a Variant of Uncertain Significance.